The following is an entry in ClinVar:

NM_000465.4(BARD1):c.2240C>G (p.Pro747Arg)

Gene: BARD1 (BRCA1 associated RING domain 1; minus strand). Cytogenetic location: 2q35.
Variant type: single nucleotide variant.
Coding change: c.2240C>G on transcript NM_000465.4 (MANE Select); coding-DNA position 2240, C replaced by G.
Protein change: p.Pro747Arg; replaces proline 747 with arginine.
Molecular consequence: missense variant. On other transcripts: non-coding transcript variant (3).
Genome position (GRCh38, 1-based): chr2:214,728,770, G>C on the plus strand (C>G on the coding strand, the complement: BARD1 is on the minus strand). VCF-style: chr2-214728770-G-C. GRCh37 (hg19) VCF-style: chr2-215593494-G-C.
Other names: c.2183C>G, p.Pro728Arg (NM_001282543.2); c.887C>G, p.Pro296Arg (NM_001282545.2); c.830C>G, p.Pro277Arg (NM_001282548.2); c.701C>G, p.Pro234Arg (NM_001282549.2); short protein forms P296R, P234R, P747R, P277R, P728R.
Identifiers: ClinVar variation 820950 (VCV000820950.12), dbSNP rs1348871714, ClinGen allele CA350450025.

ClinVar aggregate classification (germline): Uncertain significance. Review status: criteria provided, multiple submitters, no conflicts (2 of 4 stars). 2 submissions from 2 submitters: Uncertain significance (2). Last evaluated 2024-12-10.

Conditions:
Familial cancer of breast. Also called: BREAST CANCER, FAMILIAL; Hereditary breast cancer; hereditary breast carcinoma. Identifiers: Orphanet 227535, MedGen C0346153, MONDO:0016419, OMIM 114480. Disease mechanism: loss of function.
Hereditary cancer-predisposing syndrome. Also called: Neoplastic Syndromes, Hereditary; Tumor predisposition; Hereditary Cancer Syndrome; Hereditary neoplastic syndrome. Identifiers: Orphanet 140162, MedGen C0027672, MeSH D009386, MONDO:0015356.

Allele frequency attached by ClinVar (database versions not stated): gnomAD exomes 0.00001.
gnomAD v4.1: 7 of 1,614,156 alleles (0.00043%); highest among the groups gnomAD compares: East Asian, 0.016%; no homozygotes.

Submissions (2):

Ambry Genetics
Classification: Uncertain significance for Hereditary cancer-predisposing syndrome. Last evaluated: 2024-12-10. Review status: criteria provided, single submitter. Criteria: Ambry Variant Classification Scheme 2023. Collection method: clinical testing. Allele origin: germline.
Comment: The p.P747R variant (also known as c.2240C>G), located in coding exon 11 of the BARD1 gene, results from a C to G substitution at nucleotide position 2240. The proline at codon 747 is replaced by arginine, an amino acid with dissimilar properties. This alteration was detected in a 1/304 Japanese patients with pancreatic cancer and classified as a variant of unknown significance by the authors (Ohmoto A et al. J Gastroenterol, 2018 Oct;53:1159-1167). This amino acid position is highly conserved in available vertebrate species. In addition, the in silico prediction for this alteration is inconclusive. Based on the available evidence, the clinical significance of this variant remains unclear.

Labcorp Genetics (formerly Invitae), Labcorp
Classification: Uncertain significance for Familial cancer of breast. Last evaluated: 2024-03-14. Review status: criteria provided, single submitter. Criteria: Invitae Variant Classification Sherloc (09022015). Collection method: clinical testing. Allele origin: germline.
Comment: This sequence change replaces proline, which is neutral and non-polar, with arginine, which is basic and polar, at codon 747 of the BARD1 protein (p.Pro747Arg). This variant is not present in population databases (gnomAD no frequency). This missense change has been observed in individual(s) with pancreatic cancer (PMID: 29667044). ClinVar contains an entry for this variant (Variation ID: 820950). An algorithm developed to predict the effect of missense changes on protein structure and function (PolyPhen-2) suggests that this variant is likely to be disruptive. In summary, the available evidence is currently insufficient to determine the role of this variant in disease. Therefore, it has been classified as a Variant of Uncertain Significance.

Literature cited by the submitters: PubMed 29667044 (cited by Ambry Genetics and Labcorp Genetics (formerly Invitae), Labcorp).